The following is an entry in ClinVar:

ClinVar aggregate classification (germline): Uncertain significance (1 of 4 stars; one submission).

Conditions:
Hereditary cancer-predisposing syndrome. Also called: Neoplastic Syndromes, Hereditary; Tumor predisposition; Hereditary Cancer Syndrome; Hereditary neoplastic syndrome. Identifiers: Orphanet 140162, MedGen C0027672, MeSH D009386, MONDO:0015356.

Submissions (2):

Ambry Genetics
Classification: Uncertain significance for Hereditary cancer-predisposing syndrome. Last evaluated: 2026-01-16. Review status: criteria provided, single submitter. Criteria: Ambry Variant Classification Scheme 2023. Collection method: clinical testing. Allele origin: germline.
Comment: The p.S72I variant (also known as c.215G>T), located in coding exon 4 of the BRCA1 gene, results from a G to T substitution at nucleotide position 215. The serine at codon 72 is replaced by isoleucine, an amino acid with dissimilar properties. This amino acid position is highly conserved in available vertebrate species. In addition, this alteration is predicted to be deleterious by in silico analysis. Based on the available evidence, the clinical significance of this variant remains unclear.

Brotman Baty Institute, University of Washington
No classification provided (evidence only). Condition: Breast-ovarian cancer, familial 1. Review status: no classification provided. Collection method: in vitro. Allele origin: not applicable. Functional consequence: function_uncertain_variant. Not counted in ClinVar's aggregate classification.
ClinVar note: "not provided" was previously submitted as the classification for the variant. However, the classification appeared to be based only on an observation of functional data so it was converted to no classification on 2025-07-30.

NM_007294.4(BRCA1):c.215G>T (p.Ser72Ile)

Gene: BRCA1 (BRCA1 DNA repair associated; minus strand). Cytogenetic location: 17q21.31.
Variant type: single nucleotide variant.
Coding change: c.215G>T on transcript NM_007294.4 (MANE Select); coding-DNA position 215, G replaced by T.
Protein change: p.Ser72Ile; replaces serine 72 with isoleucine.
Molecular consequence: missense variant. On other transcripts: non-coding transcript variant (1).
Genome position (GRCh38, 1-based): chr17:43,104,954, C>A on the plus strand (G>T on the coding strand, the complement: BRCA1 is on the minus strand). VCF-style: chr17-43104954-C-A. GRCh37 (hg19) VCF-style: chr17-41256971-C-A.
Other names: c.74G>T, p.Ser25Ile (NM_001408504.1, NM_001408505.1, NM_001408511.1 and 99 more transcripts); c.5G>T, p.Ser2Ile (NM_001408506.1, NM_001408507.1, NM_001408508.1 and 58 more transcripts); c.-167G>T (NM_001408510.1, NM_001408512.1, NM_001407960.1 and 4 more transcripts); c.215G>T, p.Ser72Ile (NM_007298.4, NM_007299.4, NM_007300.4 and 168 more transcripts); c.137G>T, p.Ser46Ile (NM_001407653.1, NM_001407654.1, NM_001407655.1 and 21 more transcripts); c.83G>T, p.Ser28Ile (NM_001408451.1); short protein forms S25I, S72I, S28I, S2I, S46I.
Identifiers: ClinVar variation 867977 (VCV000867977.4), dbSNP rs2054698467, ClinGen allele CA10601730.
Genomic context (GRCh38, chr17:43,104,954, plus strand): 5'-GCACAAATGATTTTCAATAGCTCTTCAACAAGTTGACTAAATCTCGTACTTTCTTGTAGG[C>A]TCCTGAAATTAAATTGTTTGAGAAACACACTCAGCAAGTGATTATCAACCTTTTAAGGAC-3'
Protein context (NP_009225.1, residues 62-82): PLCKNDITKR[Ser72Ile]LQESTRFSQL